The following is an entry in ClinVar:

NM_000258.3(MYL3):c.4G>T (p.Ala2Ser)

Gene: MYL3 (myosin light chain 3; minus strand). Cytogenetic location: 3p21.31.
Variant type: single nucleotide variant.
Coding change: c.4G>T on transcript NM_000258.3 (MANE Select); coding-DNA position 4, G replaced by T.
Protein change: p.Ala2Ser; replaces alanine 2 with serine.
Molecular consequence: missense variant.
Genome position (GRCh38, 1-based): chr3:46,863,387, C>A on the plus strand (G>T on the coding strand, the complement: MYL3 is on the minus strand). VCF-style: chr3-46863387-C-A. GRCh37 (hg19) VCF-style: chr3-46904877-C-A.
Other names: short protein forms A2S.
Identifiers: ClinVar variation 926689 (VCV000926689.3), dbSNP rs148310342, ClinGen allele CA352499986.

ClinVar aggregate classification (germline): Uncertain significance (1 of 4 stars; one submission).

Conditions:
Cardiomyopathy (CMYO). Also called: Cardiomyopathies. Identifiers: Orphanet 167848, MedGen C0878544, MONDO:0004994, HP:0001638. Inheritance: Various modes of inheritance.

Submission:

Color Diagnostics, LLC DBA Color Health
Classification: Uncertain significance for Cardiomyopathy. Last evaluated: 2019-04-01. Review status: criteria provided, single submitter. Criteria: ACMG Guidelines, 2015. Collection method: clinical testing. Allele origin: germline.
Comment: Variant of Uncertain Significance due to insufficient evidence: This missense variant replaces alanine with serine at codon 2 of the MYL3 protein. Computational prediction tools and conservation analyses are inconclusive regarding the impact of this variant on the protein function. Computational splicing tools suggest that this variant may not impact RNA splicing. To our knowledge, functional assays have not been performed for this variant nor has this variant been reported in individuals affected with cardiovascular disorders in the literature. This variant has not been identified in the general population by the Genome Aggregation Database (gnomAD). Available evidence is insufficient to determine the role of this variant in disease conclusively.